The following is an entry in ClinVar:

NM_001254.4(CDC6):c.215C>T (p.Pro72Leu)

Gene: CDC6 (cell division cycle 6; plus strand). Cytogenetic location: 17q21.2.
Variant type: single nucleotide variant.
Coding change: c.215C>T on transcript NM_001254.4 (MANE Select); coding-DNA position 215, C replaced by T.
Protein change: p.Pro72Leu; replaces proline 72 with leucine.
Molecular consequence: missense variant.
Genome position (GRCh38, 1-based): chr17:40,291,094, C>T. VCF-style: chr17-40291094-C-T. GRCh37 (hg19) VCF-style: chr17-38447346-C-T.
Other names: short protein forms P72L.
Identifiers: ClinVar variation 1407842 (VCV001407842.6), dbSNP rs1051155107, ClinGen allele CA290494959.

ClinVar aggregate classification (germline): Uncertain significance (1 of 4 stars; one submission).

Submission:

Labcorp Genetics (formerly Invitae), Labcorp
Classification: Uncertain significance. Last evaluated: 2024-10-16. Review status: criteria provided, single submitter. Criteria: Invitae Variant Classification Sherloc (09022015). Collection method: clinical testing. Allele origin: germline.
Comment: This sequence change replaces proline, which is neutral and non-polar, with leucine, which is neutral and non-polar, at codon 72 of the CDC6 protein (p.Pro72Leu). This variant is not present in population databases (gnomAD no frequency). This variant has not been reported in the literature in individuals affected with CDC6-related conditions. ClinVar contains an entry for this variant (Variation ID: 1407842). An algorithm developed to predict the effect of missense changes on protein structure and function (PolyPhen-2) suggests that this variant is likely to be tolerated. In summary, the available evidence is currently insufficient to determine the role of this variant in disease. Therefore, it has been classified as a Variant of Uncertain Significance.